The following is an entry in ClinVar:

NM_000036.3(AMPD1):c.504C>T (p.Asn168=)

Gene: AMPD1 (adenosine monophosphate deaminase 1; minus strand). Cytogenetic location: 1p13.2.
Variant type: single nucleotide variant.
Coding change: c.504C>T on transcript NM_000036.3 (MANE Select); coding-DNA position 504, C replaced by T.
Protein change: p.Asn168=; no amino-acid change (asparagine 168 retained).
Molecular consequence: synonymous variant.
Genome position (GRCh38, 1-based): chr1:114,684,242, G>A on the plus strand (C>T on the coding strand, the complement: AMPD1 is on the minus strand). VCF-style: chr1-114684242-G-A. GRCh37 (hg19) VCF-style: chr1-115226863-G-A.
Other names: c.492C>T, p.Asn164= (NM_001172626.2).
Identifiers: ClinVar variation 1544693 (VCV001544693.21), dbSNP rs374681411, ClinGen allele CA1020419.

ClinVar aggregate classification (germline): Likely benign. Review status: criteria provided, multiple submitters, no conflicts (2 of 4 stars). 2 submissions from 2 submitters: Likely benign (2). Last evaluated 2025-07-22.

Conditions:
Muscle AMP deaminase deficiency (MMDD). Also called: Myoadenylate deaminase deficiency, myopathy due to; Adenosine monophosphate deaminase 1 deficiency; AMP deaminase 1 deficiency; Adenosine Monophosphate Deaminase 1; AMPD1 DEFICIENCY; ADENOSINE MONOPHOSPHATE DEAMINASE-1 DEFICIENCY, MYOPATHY DUE TO. Identifiers: Orphanet 45, MedGen C3714933, MONDO:0014220, OMIM 615511.

Allele frequency attached by ClinVar (database versions not stated): gnomAD exomes 0.00002 and 0.00003; ExAC 0.00003; gnomAD 0.00004; TOPMed 0.00005; ESP Exome Variant Server 0.00008.
gnomAD v4.1: 43 of 1,613,998 alleles (0.0027%); highest among the groups gnomAD compares: Non-Finnish European, 0.0036%; no homozygotes.

Submissions (2):

Labcorp Genetics (formerly Invitae), Labcorp
Classification: Likely benign for Muscle AMP deaminase deficiency. Last evaluated: 2025-07-22. Review status: criteria provided, single submitter. Criteria: Invitae Variant Classification Sherloc (09022015). Collection method: clinical testing. Allele origin: germline.

CeGaT Center for Human Genetics Tuebingen
Classification: Likely benign. Last evaluated: 2025-01-01. Review status: criteria provided, single submitter. Criteria: CeGaT Center For Human Genetics Tuebingen Variant Classification Criteria Version 2. Collection method: clinical testing. Allele origin: germline. Affected: yes. Observed: 1 variant allele.
Comment: AMPD1: BP4, BP7